The following is an entry in ClinVar:

NM_000059.4(BRCA2):c.5514G>T (p.Glu1838Asp)

Gene: BRCA2 (BRCA2 DNA repair associated; plus strand). Cytogenetic location: 13q13.1.
Variant type: single nucleotide variant.
Coding change: c.5514G>T on transcript NM_000059.4 (MANE Select); coding-DNA position 5514, G replaced by T.
Protein change: p.Glu1838Asp; replaces glutamic acid 1838 with aspartic acid.
Molecular consequence: missense variant.
Genome position (GRCh38, 1-based): chr13:32,339,869, G>T. VCF-style: chr13-32339869-G-T. GRCh37 (hg19) VCF-style: chr13-32914006-G-T.
Other names: short protein forms E1838D.
Identifiers: ClinVar variation 650510 (VCV000650510.10), dbSNP rs1593905671, ClinGen allele CA387785853.

ClinVar aggregate classification (germline): Conflicting classifications of pathogenicity. Review status: criteria provided, conflicting classifications (1 of 4 stars). 2 submissions from 2 submitters: Uncertain significance (1); Likely benign (1). Last evaluated 2023-03-23.

Conditions:
Hereditary breast ovarian cancer syndrome. Also called: Breast and ovarian cancer; BRCA1- and BRCA2-Associated Hereditary Breast and Ovarian Cancer; Hereditary breast and ovarian cancer; Hereditary breast and ovarian cancer syndrome (HBOC); Hereditary breast and/or ovarian cancer syndrome; Hereditary breast and ovarian cancer syndrome. Identifiers: Orphanet 145, MedGen C0677776, MeSH D061325, MONDO:0003582. Disease mechanism: loss of function.
Hereditary cancer-predisposing syndrome. Also called: Neoplastic Syndromes, Hereditary; Tumor predisposition; Hereditary Cancer Syndrome; Hereditary neoplastic syndrome. Identifiers: Orphanet 140162, MedGen C0027672, MeSH D009386, MONDO:0015356.

Submissions (2):

University of Washington Department of Laboratory Medicine, University of Washington
Classification: Likely benign for Hereditary cancer-predisposing syndrome. Last evaluated: 2023-03-23. Review status: criteria provided, single submitter. Criteria: Dines et al. (Genet Med. 2020). Collection method: curation. Allele origin: germline.
Comment: Missense variant in a coldspot region where missense variants are very unlikely to be pathogenic (PMID:31911673).

BRCA2 exon 11 coldspot. Reclassification based on statistical prior probability.

Labcorp Genetics (formerly Invitae), Labcorp
Classification: Uncertain significance for Hereditary breast ovarian cancer syndrome. Last evaluated: 2020-12-15. Review status: criteria provided, single submitter. Criteria: Invitae Variant Classification Sherloc (09022015). Collection method: clinical testing. Allele origin: germline.
Comment: In summary, the available evidence is currently insufficient to determine the role of this variant in disease. Therefore, it has been classified as a Variant of Uncertain Significance. Algorithms developed to predict the effect of missense changes on protein structure and function output the following: SIFT: "Tolerated"; PolyPhen-2: "Benign"; Align-GVGD: "Class C0". The aspartic acid amino acid residue is found in multiple mammalian species, suggesting that this missense change does not adversely affect protein function. These predictions have not been confirmed by published functional studies and their clinical significance is uncertain. This variant has not been reported in the literature in individuals with BRCA2-related disease. This variant is not present in population databases (ExAC no frequency). This sequence change replaces glutamic acid with aspartic acid at codon 1838 of the BRCA2 protein (p.Glu1838Asp). The glutamic acid residue is weakly conserved and there is a small physicochemical difference between glutamic acid and aspartic acid.